The following is an entry in ClinVar:

NM_005763.4(AASS):c.2169del (p.Thr724fs)

Gene: AASS (aminoadipate-semialdehyde synthase; minus strand). Cytogenetic location: 7q31.32.
Variant type: Deletion.
Coding change: c.2169del on transcript NM_005763.4 (MANE Select); coding-DNA position 2169, one base deleted (G; older notation c.2169delG).
Protein change: p.Thr724fs; shifts the reading frame from threonine 724.
Molecular consequence: frameshift variant.
Genome position (GRCh38, 1-based): chr7:122,086,027, C deleted on the plus strand (G on the coding strand, the reverse complement: AASS is on the minus strand); the first of 5 consecutive C bases (chr7:122,086,027-122,086,031); deleting any one gives the same sequence. VCF-style (leftmost placement, unchanged base first): chr7-122086026-TC-T. GRCh37 (hg19) VCF-style: chr7-121726080-TC-T.
Other names: short protein forms T724fs.
Identifiers: ClinVar variation 4852631 (VCV004852631.2).
Genomic context (GRCh38, chr7:122,086,026, plus strand): 5'-TACATCACAACTGGCAACATGTTGAATCTAAAGTCCAGCTGCTTACCTTATATCTCAGTG[TC>T]CCCCGCAACAAAGTGTGAGCAGAAGAAATGCCATAAATCTCAGCATATTTCGTACTGTCT-3'

ClinVar aggregate classification (germline): Likely pathogenic (1 of 4 stars; one submission).

Submission:

Dasa
Classification: Likely pathogenic. Last evaluated: 2025-04-29. Review status: criteria provided, single submitter. Criteria: DASA Assertion Criteria. Collection method: clinical testing. Allele origin: germline.
Comment: NM_005763.4(AASS):c.2169del (p.Thr724Hisfs*2) is a frameshift variant in AASS predicted to alter the reading frame and introduce a premature termination codon and is predicted to result in an absent or altered protein product. Loss of function is an established disease mechanism for AASS-associated disorders. Also, this variant is rare in population databases. Based on the currently available evidence, this variant is classified as likely pathogenic.